The following is an entry in ClinVar:

ClinVar aggregate classification (germline): Uncertain significance (1 of 4 stars; one submission).

Allele frequency attached by ClinVar (database versions not stated): gnomAD 0.00001 and 0.00002; gnomAD exomes 0.00003; TOPMed 0.00003; ExAC 0.00005.
gnomAD v4.1: 38 of 1,532,226 alleles (0.0025%); highest among the groups gnomAD compares: Non-Finnish European, 0.003%; no homozygotes.

Submission:

Labcorp Genetics (formerly Invitae), Labcorp
Classification: Uncertain significance. Last evaluated: 2024-07-22. Review status: criteria provided, single submitter. Criteria: Invitae Variant Classification Sherloc (09022015). Collection method: clinical testing. Allele origin: germline.
Comment: This sequence change replaces arginine, which is basic and polar, with histidine, which is basic and polar, at codon 1224 of the TAOK2 protein (p.Arg1224His). The frequency data for this variant in the population databases is considered unreliable, as metrics indicate poor data quality at this position in the gnomAD database. This variant has not been reported in the literature in individuals affected with TAOK2-related conditions. ClinVar contains an entry for this variant (Variation ID: 1363172). An algorithm developed to predict the effect of missense changes on protein structure and function (PolyPhen-2) suggests that this variant is likely to be tolerated. In summary, the available evidence is currently insufficient to determine the role of this variant in disease. Therefore, it has been classified as a Variant of Uncertain Significance.

NM_016151.4(TAOK2):c.3671G>A (p.Arg1224His)

Gene: TAOK2 (TAO kinase 2; plus strand). Cytogenetic location: 16p11.2.
Variant type: single nucleotide variant.
Coding change: c.3671G>A on transcript NM_016151.4 (MANE Select); coding-DNA position 3671, G replaced by A.
Protein change: p.Arg1224His; replaces arginine 1224 with histidine.
Molecular consequence: missense variant. On other transcripts: intron variant (1).
Genome position (GRCh38, 1-based): chr16:29,987,943, G>A. VCF-style: chr16-29987943-G-A. GRCh37 (hg19) VCF-style: chr16-29999264-G-A.
Other names: c.3332G>A, p.Arg1111His (NM_001252043.2); c.2232+1439G>A (NM_004783.4); short protein forms R1111H, R1224H.
Identifiers: ClinVar variation 1363172 (VCV001363172.8), dbSNP rs759740148, ClinGen allele CA7998625.